The following is an entry in ClinVar:

NM_000252.3(MTM1):c.969dup (p.Val324fs)

Gene: MTM1 (myotubularin 1; plus strand). Cytogenetic location: Xq28.
Variant type: Duplication.
Coding change: c.969dup on transcript NM_000252.3 (MANE Select); coding-DNA position 969, one base duplicated (A; older notation c.969dupA).
Protein change: p.Val324fs; shifts the reading frame from valine 324.
Molecular consequence: frameshift variant.
Genome position (GRCh38, 1-based): chrX:150,649,817, A duplicated; the last of 7 consecutive A bases (chrX:150,649,811-150,649,817); duplicating any one gives the same sequence. VCF-style (leftmost placement, unchanged base first): chrX-150649810-T-TA. GRCh37 (hg19) VCF-style: chrX-149818283-T-TA.
Other names: c.969dupA (NM_000252.2); c.969dup, p.Val324fs (NM_001376906.1, NM_001376908.1); c.858dup, p.Val287fs (NM_001376907.1); short protein forms V324fs, V287fs.
Identifiers: ClinVar variation 211539 (VCV000211539.21), dbSNP rs587783865, ClinGen allele CA277079.
Genomic context (GRCh38, chrX:150,649,810, plus strand): 5'-ATCATAACGCCGAACTTTTCTTCTTAGACATTCATAATATTCATGTTATGCGGGAATCTT[T>TA]AAAAAAAGTGAAGGACATTGTTTATCCTAATGTAGAAGAATCTCATTGGTTGTCCAGTTT-3'

ClinVar aggregate classification (germline): Pathogenic. Review status: criteria provided, multiple submitters, no conflicts (2 of 4 stars). 5 submissions from 5 submitters: Pathogenic (4). 1 of the submissions does not count toward it. Last evaluated 2025-08-18.

Conditions:
Severe X-linked myotubular myopathy (CNMX). Also called: MYOTUBULAR MYOPATHY 1; X-linked centronuclear myopathy; Myotubular myopathy, X-linked. Identifiers: Orphanet 596, MedGen C0410203, MONDO:0010683, OMIM 310400.

Submissions (5):

Labcorp Genetics (formerly Invitae), Labcorp
Classification: Pathogenic for Severe X-linked myotubular myopathy. Last evaluated: 2025-08-18. Review status: criteria provided, single submitter. Criteria: Invitae Variant Classification Sherloc (09022015). Collection method: clinical testing. Allele origin: germline.
Comment: This sequence change creates a premature translational stop signal (p.Val324Serfs*8) in the MTM1 gene. It is expected to result in an absent or disrupted protein product. Loss-of-function variants in MTM1 are known to be pathogenic (PMID: 9305655, 10063835). This variant is not present in population databases (gnomAD no frequency). This premature translational stop signal has been observed in individual(s) with X-linked myotubular myopathy (PMID: 10790201). This variant is also known as c.969-970insA. ClinVar contains an entry for this variant (Variation ID: 211539). For these reasons, this variant has been classified as Pathogenic.

Laboratory of Medical Genetics, National & Kapodistrian University of Athens
Classification: Pathogenic for Severe X-linked myotubular myopathy. Last evaluated: 2022-04-29. Review status: criteria provided, single submitter. Criteria: ACMG Guidelines, 2015. Collection method: clinical testing. Allele origin: germline. Affected: yes.
Comment: PVS1, PM2, PP5

Athena Diagnostics
Classification: Pathogenic. Last evaluated: 2021-08-17. Review status: criteria provided, single submitter. Criteria: Athena Diagnostics Criteria. Collection method: clinical testing. Allele origin: unknown.
Comment: This variant is expected to result in the loss of a functional protein. This variant has been identified in at least one individual who has clinical features associated with this gene (PMID 10790201). This variant has not been reported in large, multi-ethnic general populations.This observation is not an independent occurrence and has been identified in the same individual by RCIGM, the other laboratory participating in the GEMINI study.

Genetic Services Laboratory, University of Chicago
Classification: Pathogenic for Myotubular myopathy, X-linked. Last evaluated: 2013-02-08. Review status: criteria provided, single submitter. Criteria: ACMG Guidelines, 2007. Collection method: clinical testing. Allele origin: germline. Affected: yes.

Clinical Molecular Genetics Laboratory, Johns Hopkins All Children's Hospital
Classification: Pathogenic for Severe X-linked myotubular myopathy. Last evaluated: 2012-08-16. Review status: no assertion criteria provided. Collection method: clinical testing. Allele origin: germline. Affected: no. Not counted in ClinVar's aggregate classification.

Literature cited by the submitters: PubMed 9305655 (cited by Labcorp Genetics (formerly Invitae), Labcorp); PubMed 10063835 (cited by Labcorp Genetics (formerly Invitae), Labcorp); PubMed 10790201 (cited by Labcorp Genetics (formerly Invitae), Labcorp).